The following is an entry in ClinVar:

ClinVar aggregate classification (germline): Pathogenic (1 of 4 stars; one submission).

Conditions:
Gorlin syndrome. Also called: Nevoid Basal Cell Carcinoma Syndrome; Basal cell nevus syndrome. Identifiers: Orphanet 377, MedGen C0004779, MONDO:0007187.

Submission:

Labcorp Genetics (formerly Invitae), Labcorp
Classification: Pathogenic for Gorlin syndrome. Last evaluated: 2020-07-29. Review status: criteria provided, single submitter. Criteria: Invitae Variant Classification Sherloc (09022015). Collection method: clinical testing. Allele origin: germline.
Comment: For these reasons, this variant has been classified as Pathogenic. Donor and acceptor splice site variants typically lead to a loss of protein function (PMID: 16199547), and loss-of-function variants in PTCH1 are known to be pathogenic (PMID: 16301862, 16419085). Algorithms developed to predict the effect of sequence changes on RNA splicing suggest that this variant may disrupt the consensus splice site, but this prediction has not been confirmed by published transcriptional studies. Disruption of this splice site has been observed in individual(s) with clinical features of basal cell nevus syndrome (PMID: 29575684, Invitae). This variant is not present in population databases (ExAC no frequency). This sequence change affects an acceptor splice site in intron 1 of the PTCH1 gene. It is expected to disrupt RNA splicing and likely results in an absent or disrupted protein product.

Literature cited by the submitters: PubMed 16199547; PubMed 16301862; PubMed 16419085; PubMed 29575684.

NM_000264.5(PTCH1):c.202-1G>C

Gene: PTCH1 (patched 1; minus strand). Cytogenetic location: 9q22.32.
Variant type: single nucleotide variant.
Coding change: c.202-1G>C on transcript NM_000264.5 (MANE Select); the canonical splice acceptor site of the intron before coding-DNA position 202, G replaced by C.
Molecular consequence: splice acceptor variant.
Genome position (GRCh38, 1-based): chr9:95,506,600, C>G on the plus strand (G>C on the coding strand, the complement: PTCH1 is on the minus strand). VCF-style: chr9-95506600-C-G. GRCh37 (hg19) VCF-style: chr9-98268882-C-G.
Other names: c.199-1G>C (NM_001083603.3); c.4-1G>C (NM_001083602.3, NM_001354919.2); c.202-1G>C (NM_001354918.2); c.-252-1G>C (NM_001083605.3, NM_001083604.3, NM_001083606.3 and 1 more transcripts).
Identifiers: ClinVar variation 1071610 (VCV001071610.13), dbSNP rs2118881561, ClinGen allele CA374120774.
Genomic context (GRCh38, chr9:95,506,600, plus strand): 5'-TAAGAGTCTCTGAAACTTCGCTCTCAGCCACAGCGGCGCTTTCCGGCCAGTAGCCTTCCC[C>G]TGGGGACGAAGCAGAAGGGAGGAGTGAGCGCCGGGGAGTCGCGGCCCGCGCGCCCACGCC-3'